The following is an entry in ClinVar:

ClinVar aggregate classification (germline): Uncertain significance (1 of 4 stars; one submission).

Submission:

Ambry Genetics
Classification: Uncertain significance. Last evaluated: 2024-04-19. Review status: criteria provided, single submitter. Criteria: Ambry Variant Classification Scheme 2023. Collection method: clinical testing. Allele origin: germline.
Comment: The p.T25R variant (also known as c.74C>G), located in coding exon 1 of the FAM175A gene, results from a C to G substitution at nucleotide position 74. The threonine at codon 25 is replaced by arginine, an amino acid with similar properties. This amino acid position is conserved. In addition, this alteration is predicted to be tolerated by in silico analysis. Based on the available evidence, the clinical significance of this variant remains unclear.

NM_139076.3(ABRAXAS1):c.74C>G (p.Thr25Arg)

Genes: ABRAXAS1 (abraxas 1, BRCA1 A complex subunit; minus strand), LOC129992784 (ATAC-STARR-seq lymphoblastoid silent region 15542; plus strand). Cytogenetic location: 4q21.23.
Variant type: single nucleotide variant.
Coding change: c.74C>G on transcript NM_139076.3 (MANE Select); coding-DNA position 74, C replaced by G.
Protein change: p.Thr25Arg; replaces threonine 25 with arginine.
Molecular consequence: missense variant. On other transcripts: 5 prime UTR variant (1).
Genome position (GRCh38, 1-based): chr4:83,484,999, G>C on the plus strand (C>G on the coding strand, the complement: ABRAXAS1 is on the minus strand). VCF-style: chr4-83484999-G-C. GRCh37 (hg19) VCF-style: chr4-84406152-G-C.
Other names: c.-187C>G (NM_001345962.2); short protein forms T25R.
Identifiers: ClinVar variation 3332031 (VCV003332031.1).